The following is an entry in ClinVar:

NM_017780.4(CHD7):c.4133C>T (p.Ala1378Val)

Gene: CHD7 (chromodomain helicase DNA binding protein 7; plus strand). Cytogenetic location: 8q12.2.
Variant type: single nucleotide variant.
Coding change: c.4133C>T on transcript NM_017780.4 (MANE Select); coding-DNA position 4133, C replaced by T.
Protein change: p.Ala1378Val; replaces alanine 1378 with valine.
Molecular consequence: missense variant. On other transcripts: intron variant (1).
Genome position (GRCh38, 1-based): chr8:60,836,960, C>T. VCF-style: chr8-60836960-C-T. GRCh37 (hg19) VCF-style: chr8-61749519-C-T.
Other names: c.1717-25269C>T (NM_001316690.1); short protein forms A1378V.
Identifiers: ClinVar variation 2673149 (VCV002673149.23), dbSNP rs2487904316, ClinGen allele CA371316912.

ClinVar aggregate classification (germline): Likely pathogenic (1 of 4 stars; one submission).

Submission:

CeGaT Center for Human Genetics Tuebingen
Classification: Likely pathogenic. Last evaluated: 2024-05-01. Review status: criteria provided, single submitter. Criteria: CeGaT Center For Human Genetics Tuebingen Variant Classification Criteria Version 2. Collection method: clinical testing. Allele origin: germline. Affected: yes. Observed: 1 variant allele.
Comment: CHD7: PS2, PM2, PP3